The following is an entry in ClinVar:

ClinVar aggregate classification (germline): Uncertain significance (1 of 4 stars; one submission).

Conditions:
Dyskeratosis congenita, autosomal recessive 5 (DKCB5). Identifiers: MedGen C3554656, MONDO:0014076, OMIM 615190.
Pulmonary fibrosis and/or bone marrow failure, Telomere-related, 3. Also called: PULMONARY FIBROSIS AND/OR BONE MARROW FAILURE SYNDROME, TELOMERE-RELATED, 3. Identifiers: Orphanet 2032, MedGen C4225346, MONDO:0014613, OMIM 616373.

Submission:

Labcorp Genetics (formerly Invitae), Labcorp
Classification: Uncertain significance for Dyskeratosis congenita, autosomal recessive 5; Pulmonary fibrosis and/or bone marrow failure, Telomere-related, 3. Last evaluated: 2022-02-10. Review status: criteria provided, single submitter. Criteria: Invitae Variant Classification Sherloc (09022015). Collection method: clinical testing. Allele origin: germline.
Comment: This variant is not present in population databases (gnomAD no frequency). In summary, the available evidence is currently insufficient to determine the role of this variant in disease. Therefore, it has been classified as a Variant of Uncertain Significance. Algorithms developed to predict the effect of missense changes on protein structure and function (SIFT, PolyPhen-2, Align-GVGD) all suggest that this variant is likely to be disruptive. This variant has not been reported in the literature in individuals affected with RTEL1-related conditions. This sequence change replaces glycine, which is neutral and non-polar, with aspartic acid, which is acidic and polar, at codon 625 of the RTEL1 protein (p.Gly625Asp).

NM_001283009.2(RTEL1):c.1874G>A (p.Gly625Asp)

Genes: RTEL1 (regulator of telomere elongation helicase 1; plus strand), RTEL1-TNFRSF6B (RTEL1-TNFRSF6B readthrough (NMD candidate); plus strand). Cytogenetic location: 20q13.33.
Variant type: single nucleotide variant.
Coding change: c.1874G>A on transcript NM_001283009.2 (MANE Select); coding-DNA position 1874, G replaced by A.
Protein change: p.Gly625Asp; replaces glycine 625 with aspartic acid.
Molecular consequence: missense variant. On other transcripts: non-coding transcript variant (1).
Genome position (GRCh38, 1-based): chr20:63,689,128, G>A. VCF-style: chr20-63689128-G-A. GRCh37 (hg19) VCF-style: chr20-62320481-G-A.
Other names: c.1205G>A, p.Gly402Asp (NM_001283010.1); c.1874G>A, p.Gly625Asp (NM_016434.4); c.1946G>A, p.Gly649Asp (NM_032957.5); short protein forms G649D, G402D, G625D.
Identifiers: ClinVar variation 1422791 (VCV001422791.8), dbSNP rs2145425936, ClinGen allele CA409678638.